The following is an entry in ClinVar:

NM_003024.3(ITSN1):c.2583G>A (p.Thr861=)

Gene: ITSN1 (intersectin 1; plus strand). Cytogenetic location: 21q22.11.
Variant type: single nucleotide variant.
Coding change: c.2583G>A on transcript NM_003024.3 (MANE Select); coding-DNA position 2583, G replaced by A.
Protein change: p.Thr861=; no amino-acid change (threonine 861 retained).
Molecular consequence: synonymous variant.
Genome position (GRCh38, 1-based): chr21:33,813,928, G>A. VCF-style: chr21-33813928-G-A. GRCh37 (hg19) VCF-style: chr21-35186232-G-A.
Other names: c.2583G>A, p.Thr861= (NM_001001132.2, NM_001331008.2); c.2568G>A, p.Thr856= (NM_001331009.2, NM_001331010.2, NM_001331011.2); c.2457G>A, p.Thr819= (NM_001331012.2).
Identifiers: ClinVar variation 4982239 (VCV004982239.1).

ClinVar aggregate classification (germline): Likely benign (1 of 4 stars; one submission).

Conditions:
ITSN1-related disorder. Also called: ITSN1-related condition.

gnomAD v4.1: 11 of 1,613,392 alleles (0.00068%); highest among the groups gnomAD compares: East Asian, 0.0022%; no homozygotes.

Submission:

PreventionGenetics, part of Exact Sciences
Classification: Likely benign for ITSN1-related condition. Last evaluated: 2025-03-31. Review status: criteria provided, single submitter. Criteria: ACMG Guidelines, 2015. Collection method: clinical testing. Allele origin: germline.
Comment: This variant is classified as likely benign based on ACMG/AMP sequence variant interpretation guidelines (Richards et al. 2015 PMID: 25741868, with internal and published modifications).